The following is an entry in ClinVar:

ClinVar aggregate classification (germline): Likely pathogenic (1 of 4 stars; one submission).

Conditions:
Hereditary cancer-predisposing syndrome. Also called: Neoplastic Syndromes, Hereditary; Tumor predisposition; Hereditary neoplastic syndrome; Hereditary Cancer Syndrome. Identifiers: Orphanet 140162, MedGen C0027672, MeSH D009386, MONDO:0015356.

Submission:

Ambry Genetics
Classification: Likely pathogenic for Hereditary cancer-predisposing syndrome. Last evaluated: 2023-03-02. Review status: criteria provided, single submitter. Criteria: Ambry Variant Classification Scheme 2023. Collection method: clinical testing. Allele origin: germline.
Comment: The c.4000_4001+20del22 variant results from a deletion of 22 nucleotides between positions c.4000 and 4001+20 and involves the canonical splice donor site after coding exon 9 of the MSH6 gene. This variant is considered to be rare based on population cohorts in the Genome Aggregation Database (gnomAD). The canonical splice donor site is well conserved on limited sequence alignment. In silico splice site analysis predicts that this alteration will weaken the native splice donor site. RNA studies have demonstrated that this alteration results in abnormal splicing in the set of samples tested (Ambry internal data). Alterations that disrupt the canonical splice site are expected to cause aberrant splicing, resulting in an abnormal protein or a transcript that is subject to nonsense-mediated mRNA decay. As such, this alteration is classified as likely pathogenic.

NM_000179.3(MSH6):c.4000_4001+20del

Gene: MSH6 (mutS homolog 6; plus strand). Cytogenetic location: 2p16.3.
Variant type: Deletion.
Coding change: c.4000_4001+20del on transcript NM_000179.3 (MANE Select); coding-DNA position 4000 through 20 bases into the intron after coding-DNA position 4001, 22 bases deleted (CGGTAACTAACTAACTATAATG).
Molecular consequence: splice donor variant. On other transcripts: intron variant (1).
Genome position (GRCh38, 1-based): chr2:47,806,650-47,806,671, CGGTAACTAACTAACTATAATG deleted. VCF-style (leftmost placement, unchanged base first): chr2-47806649-TCGGTAACTAACTAACTATAATG-T. GRCh37 (hg19) VCF-style: chr2-48033788-TCGGTAACTAACTAACTATAATG-T.
Other names: c.4000_4001+20del (NM_001406809.1, NM_001406796.1, NM_001406808.1); c.3094_3095+20del (NM_001406811.1, NM_001406814.1, NM_001281493.2 and 6 more transcripts); c.3703_3704+20del (NM_001406805.1, NM_001406797.1, NM_001406801.1 and 10 more transcripts); c.4096_4097+20del (NM_001406795.1); c.3898-129_3898-108del (NM_001406802.1); c.4006_4007+20del (NM_001406813.1); c.3475_3476+20del (NM_001406807.1, NM_001406799.1, NM_001406806.1); c.*21_*22+20del (NM_001406800.1); and 9 more.
Identifiers: ClinVar variation 2453206 (VCV002453206.2), dbSNP rs2530879532, ClinGen allele CA2580067545.